The following is an entry in ClinVar:

NM_139343.3(BIN1):c.160C>G (p.Gln54Glu)

Gene: BIN1 (bridging integrator 1; minus strand). Cytogenetic location: 2q14.3.
Variant type: single nucleotide variant.
Coding change: c.160C>G on transcript NM_139343.3 (MANE Select); coding-DNA position 160, C replaced by G.
Protein change: p.Gln54Glu; replaces glutamine 54 with glutamic acid.
Molecular consequence: missense variant.
Genome position (GRCh38, 1-based): chr2:127,076,631, G>C on the plus strand (C>G on the coding strand, the complement: BIN1 is on the minus strand). VCF-style: chr2-127076631-G-C. GRCh37 (hg19) VCF-style: chr2-127834207-G-C.
Other names: c.160C>G, p.Gln54Glu (NM_139344.3, NM_139345.3, NM_139346.3 and 10 more transcripts); c.88C>G, p.Gln30Glu (NM_001320634.1); c.79C>G, p.Gln27Glu (NM_001320642.1); short protein forms Q27E, Q30E, Q54E.
Identifiers: ClinVar variation 2738769 (VCV002738769.3), dbSNP rs765035434, ClinGen allele CA1857583.

ClinVar aggregate classification (germline): Uncertain significance (1 of 4 stars; one submission).

Conditions:
Myopathy, centronuclear, 2 (CNM2). Also called: MYOTUBULAR MYOPATHY, AUTOSOMAL RECESSIVE. Identifiers: Orphanet 169186, MedGen CN031787, MONDO:0009709, OMIM 255200.

Allele frequency attached by ClinVar (database versions not stated): gnomAD exomes below 0.00001; ExAC 0.00001; TOPMed 0.00001.
gnomAD v4.1: 2 of 1,614,150 alleles (0.00012%); highest among the groups gnomAD compares: Admixed American, 0.0033%; no homozygotes.

Submission:

Labcorp Genetics (formerly Invitae), Labcorp
Classification: Uncertain significance for Myopathy, centronuclear, 2. Last evaluated: 2023-11-14. Review status: criteria provided, single submitter. Criteria: Invitae Variant Classification Sherloc (09022015). Collection method: clinical testing. Allele origin: germline.
Comment: This sequence change replaces glutamine, which is neutral and polar, with glutamic acid, which is acidic and polar, at codon 54 of the BIN1 protein (p.Gln54Glu). This variant is present in population databases (rs765035434, gnomAD 0.006%). This variant has not been reported in the literature in individuals affected with BIN1-related conditions. Advanced modeling of protein sequence and biophysical properties (such as structural, functional, and spatial information, amino acid conservation, physicochemical variation, residue mobility, and thermodynamic stability) performed at Invitae indicates that this missense variant is expected to disrupt BIN1 protein function with a positive predictive value of 80%. In summary, the available evidence is currently insufficient to determine the role of this variant in disease. Therefore, it has been classified as a Variant of Uncertain Significance.